The following is an entry in ClinVar:

NM_133433.4(NIPBL):c.2479_2480del (p.Arg827fs)

Gene: NIPBL (NIPBL cohesin loading factor; plus strand). Cytogenetic location: 5p13.2.
Variant type: Deletion.
Coding change: c.2479_2480del on transcript NM_133433.4 (MANE Select); coding-DNA positions 2479 to 2480, 2 bases deleted (AG; older notation c.2479_2480delAG).
Protein change: p.Arg827fs; shifts the reading frame from arginine 827.
Molecular consequence: frameshift variant.
Genome position (GRCh38, 1-based): chr5:36,985,659-36,985,660, AG deleted. VCF-style (leftmost placement, unchanged base first): chr5-36985658-CAG-C. GRCh37 (hg19) VCF-style: chr5-36985760-CAG-C.
Other names: p.Arg827GlyfsTer2; c.2479_2480del, p.Arg827fs (NM_015384.5); c.2479_2480delAG (NM_133433.4); short protein forms R827fs.
Identifiers: ClinVar variation 96336 (VCV000096336.29), dbSNP rs398124465, ClinGen allele CA224023.

ClinVar aggregate classification (germline): Pathogenic. Review status: criteria provided, multiple submitters, no conflicts (2 of 4 stars). 11 submissions from 11 submitters: Pathogenic (9). 2 of the submissions do not count toward it. Last evaluated 2025-10-10.

Conditions:
Cornelia de Lange syndrome 1 (CDLS1). Also called: NIPBL-Related Cornelia de Lange Syndrome; Brachmann de Lange syndrome; TYPUS DEGENERATIVUS AMSTELODAMENSIS. Identifiers: Orphanet 199, MedGen C4551851, MONDO:0007387, OMIM 122470.

Submissions (11):

OLLIN Analises Genomicas, OLLIN
Classification: Pathogenic for Cornelia de Lange syndrome 1. Last evaluated: 2025-10-10. Review status: criteria provided, single submitter. Criteria: ACMG Guidelines 2015 PMID 25741868. Collection method: clinical testing. Allele origin: germline. Affected: yes. Observed: 1 variant allele.
Comment: The frameshift variant (chr5:36985658CAG>C), located in exon 10 (of 47), absent in gnomAD v4.1 non-UKB, is reported in ClinVar (VCV000096336.28) and in the scientific literature, and has also been identified de novo in individuals with Cornelia de Lange syndrome (PMID: 31157197, 29348408, 15318302, 17661813, 20358602, 20824775). This variant promotes a change in the reading frame with subsequent introduction of a premature stop codon, resulting in a truncated protein or mRNA degradation via nonsense-mediated decay (NMD). Functional studies suggest that this variant affects protein function (PMID: 29348408). According to the evidence currently available, this variant has been classified as pathogenic (PVS1, PS2, PS3_P, PS4, PM2_P, PP4).

GeneDx
Classification: Pathogenic. Last evaluated: 2025-01-30. Review status: criteria provided, single submitter. Criteria: GeneDx Variant Classification Process June 2021. Collection method: clinical testing. Allele origin: germline. Affected: yes.
Comment: Frameshift variant predicted to result in protein truncation or nonsense mediated decay in a gene for which loss of function is a known mechanism of disease; Not observed at significant frequency in large population cohorts (gnomAD); This variant is associated with the following publications: (PMID: 23760082, 16236812, 30158690, 36041635, 31337854, 31157197, 20358602, 37377026, 38284454, 39682772, 15318302)

Labcorp Genetics (formerly Invitae), Labcorp
Classification: Pathogenic for Cornelia de Lange syndrome 1. Last evaluated: 2023-10-18. Review status: criteria provided, single submitter. Criteria: Invitae Variant Classification Sherloc (09022015). Collection method: clinical testing. Allele origin: germline.
Comment: This sequence change creates a premature translational stop signal (p.Arg827Glyfs*2) in the NIPBL gene. It is expected to result in an absent or disrupted protein product. Loss-of-function variants in NIPBL are known to be pathogenic (PMID: 15318302, 19763162, 23505322, 29995837). This variant is not present in population databases (gnomAD no frequency). This premature translational stop signal has been observed in individuals with Cornelia de Lange syndrome (PMID: 15318302, 17661813, 20358602, 20824775). ClinVar contains an entry for this variant (Variation ID: 96336). For these reasons, this variant has been classified as Pathogenic.

Baylor Genetics
Classification: Pathogenic for Cornelia de Lange syndrome 1. Last evaluated: 2022-12-19. Review status: criteria provided, single submitter. Criteria: ACMG Guidelines, 2015. Collection method: clinical testing. Allele origin: unknown.

Genome-Nilou Lab
Classification: Pathogenic for Cornelia de Lange syndrome 1. Last evaluated: 2021-07-15. Review status: criteria provided, single submitter. Criteria: ACMG Guidelines, 2015. Collection method: clinical testing. Allele origin: germline. Affected: no.

Rady Children's Institute for Genomic Medicine, Rady Children's Hospital San Diego
Classification: Pathogenic for CORNELIA DE LANGE SYNDROME 1. Last evaluated: 2020-06-02. Review status: criteria provided, single submitter. Criteria: ACMG Guidelines, 2015. Collection method: clinical testing. Allele origin: germline. Affected: yes.
Comment: This frameshifting variant in exon 10 of 47 introduces a premature stop codon and is therefore predicted to result in loss of normal protein function through either protein truncation or nonsense-mediated mRNA decay (NMD). This variant has been previously reported as a heterozygous change in multiple unrelated individuals with Cornelia de Lange Syndrome (CdLS, PMID: 15318302, 17661813, 20358602, 20824775, 30158690, 31157197). Cells lines from a CdLS patient carrying this variant exhibited chromatin decompaction (PMID: 23760082). In addition, gene expression studies on human induced pluripotent stem cells and cardiomyocytes derived in-vitro from a carrier of this variant identified altered expression of genes involved in multiple cellular processes and normal heart development (PMID: 29348408). It is absent from the gnomAD population database and thus is presumed to be rare. Analysis of the parental samples was negative for the variant, indicating this variant likely occurred as a de novo event. Based on the available evidence, the c.2479_2480del (p.Arg827GlyfsTer2) variant is classified as Pathogenic.

Foundation for Research in Genetics and Endocrinology, FRIGE's Institute of Human Genetics
Classification: Pathogenic for Cornelia de Lange syndrome 1. Last evaluated: 2018-03-20. Review status: criteria provided, single submitter. Criteria: ACMG Guidelines, 2015. Collection method: clinical testing. Allele origin: de novo. Inheritance: Autosomal dominant inheritance. Affected: yes. Observed: 1 heterozygote.
Comment: A heterozygous frameshift variation in exon 10 of the NIPBL gene that results in the termination of amino acid 2 codons downstream of Glycine at codon 827 was detected. The observed variant c.2479_2480delAG (p.Arg827GlyfsTer2) has not been reported in the 1000 gemomes, ExAC database. The in-silico prediction of the variant is disease causing by MutationTaster2. The reference codon is conserved across species. The segregation analysis showed this variation to be de novo in origin. In summary, the variant meets our criteria to be classified as a pathogenic variant.

Genetic Services Laboratory, University of Chicago
Classification: Pathogenic for Cornelia de Lange syndrome 1. Last evaluated: 2013-02-08. Review status: criteria provided, single submitter. Criteria: ACMG Guidelines, 2007. Collection method: clinical testing. Allele origin: germline. Inheritance: Autosomal dominant inheritance. Affected: yes.

Eurofins Ntd Llc (ga)
Classification: Pathogenic. Last evaluated: 2012-08-03. Review status: criteria provided, single submitter. Criteria: EGL Classification Definitions. Collection method: clinical testing. Allele origin: germline. Observed: 1 variant allele, 1 heterozygote.

OMIM
Classification: Pathogenic for CORNELIA DE LANGE SYNDROME 1. Last evaluated: 2004-10-01. Review status: no assertion criteria provided. Collection method: literature only. Allele origin: germline. Not counted in ClinVar's aggregate classification.

Division of Human Genetics, National Health Laboratory Service/University of the Witwatersrand
Classification: Pathogenic for Cornelia de Lange syndrome 1. Review status: no assertion criteria provided. Collection method: research. Allele origin: unknown. Affected: yes. Observed: 1 variant allele. Not counted in ClinVar's aggregate classification.

Literature cited by the submitters: PubMed 31157197 (cited by OLLIN Analises Genomicas, OLLIN); PubMed 29348408 (cited by OLLIN Analises Genomicas, OLLIN); PubMed 15318302 (cited by 3 submitters); PubMed 17661813 (cited by OLLIN Analises Genomicas, OLLIN and Labcorp Genetics (formerly Invitae), Labcorp); PubMed 20358602 (cited by OLLIN Analises Genomicas, OLLIN and Labcorp Genetics (formerly Invitae), Labcorp); PubMed 20824775 (cited by OLLIN Analises Genomicas, OLLIN and Labcorp Genetics (formerly Invitae), Labcorp); PubMed 19763162 (cited by Labcorp Genetics (formerly Invitae), Labcorp); PubMed 23505322 (cited by Labcorp Genetics (formerly Invitae), Labcorp); PubMed 29995837 (cited by Labcorp Genetics (formerly Invitae), Labcorp); PubMed 30158690 (cited by Baylor Genetics).